The following is an entry in ClinVar:

ClinVar aggregate classification (germline): Conflicting classifications of pathogenicity. Review status: criteria provided, conflicting classifications (1 of 4 stars). 5 submissions from 5 submitters: Uncertain significance (3); Likely benign (1). 1 of the submissions does not count toward it. Last evaluated 2025-06-14.

Conditions:
Hereditary cancer-predisposing syndrome. Also called: Tumor predisposition; Hereditary neoplastic syndrome; Hereditary Cancer Syndrome; Neoplastic Syndromes, Hereditary. Identifiers: Orphanet 140162, MedGen C0027672, MeSH D009386, MONDO:0015356.
Hereditary breast ovarian cancer syndrome. Also called: Hereditary breast and/or ovarian cancer syndrome; Breast and ovarian cancer; Hereditary breast and ovarian cancer syndrome; Hereditary breast and ovarian cancer; Hereditary breast and ovarian cancer syndrome (HBOC); BRCA1- and BRCA2-Associated Hereditary Breast and Ovarian Cancer. Identifiers: Orphanet 145, MedGen C0677776, MeSH D061325, MONDO:0003582. Disease mechanism: loss of function.
Breast-ovarian cancer, familial, susceptibility to, 1 (BROVCA1). Also called: BRCA1 Hereditary Breast and Ovarian Cancer; OVARIAN CANCER, SUSCEPTIBILITY TO. Identifiers: Orphanet 145, MedGen C2676676, MONDO:0011450, OMIM 604370. Disease mechanism: loss of function.

Submissions (5):

Labcorp Genetics (formerly Invitae), Labcorp
Classification: Likely benign for Hereditary breast ovarian cancer syndrome. Last evaluated: 2025-06-14. Review status: criteria provided, single submitter. Criteria: Invitae Variant Classification Sherloc (09022015). Collection method: clinical testing. Allele origin: germline.

Ambry Genetics
Classification: Uncertain significance for Hereditary cancer-predisposing syndrome. Last evaluated: 2024-08-27. Review status: criteria provided, single submitter. Criteria: Ambry Variant Classification Scheme 2023. Collection method: clinical testing. Allele origin: germline.
Comment: The c.442-3delT intronic variant, located in intron 5 of the BRCA1 gene, results from a deletion of one nucleotide within intron 5 of the BRCA1 gene. This nucleotide position is highly conserved in available vertebrate species. In silico splice site analysis predicts that this alteration will not have any significant effect on splicing. This splice acceptor site has a naturally occurring isoform (&Delta;8p in the literature) that uses an alternative acceptor and results in the deletion of a single amino acid from the beginning of coding exon 6 (Ambry internal data; Colombo M et al. Hum Mol Genet., 2014 Jul;23:3666-80). The functional and clinical significance of this single amino acid loss is unknown. Since supporting evidence is limited at this time, the clinical significance of this alteration remains unclear.

GeneDx
Classification: Uncertain significance. Last evaluated: 2023-11-14. Review status: criteria provided, single submitter. Criteria: GeneDx Variant Classification Process June 2021. Collection method: clinical testing. Allele origin: germline. Affected: yes.
Comment: Not observed at significant frequency in large population cohorts (gnomAD); In silico analysis supports a deleterious effect on splicing; Has not been previously published as pathogenic or benign to our knowledge; Also known as 561-3del

Color Diagnostics, LLC DBA Color Health
Classification: Uncertain significance for Hereditary cancer-predisposing syndrome. Last evaluated: 2019-04-06. Review status: criteria provided, single submitter. Criteria: ACMG Guidelines, 2015. Collection method: clinical testing. Allele origin: germline.

Breast Cancer Information Core (BIC) (BRCA1)
Classification: Uncertain significance for Breast-ovarian cancer, familial 1. Last evaluated: 1997-11-14. Review status: no assertion criteria provided. Collection method: clinical testing. Allele origin: germline. Affected: yes. Observed: 2 variant alleles. Not counted in ClinVar's aggregate classification.

NM_007294.4(BRCA1):c.442-3del

Gene: BRCA1 (BRCA1 DNA repair associated; minus strand). Cytogenetic location: 17q21.31.
Variant type: Deletion.
Coding change: c.442-3del on transcript NM_007294.4 (MANE Select); 3 bases into the intron before coding-DNA position 442, one base deleted (T; older notation c.442-3delT).
Molecular consequence: intron variant.
Genome position (GRCh38, 1-based): chr17:43,099,883, A deleted on the plus strand (T on the coding strand, the reverse complement: BRCA1 is on the minus strand); the first of 3 consecutive A bases (chr17:43,099,883-43,099,885); deleting any one gives the same sequence. VCF-style (leftmost placement, unchanged base first): chr17-43099882-TA-T. GRCh37 (hg19) VCF-style: chr17-41251899-TA-T.
Other names: IVS7-3delT; c.442-3delT (NM_007294.3); c.364-6del (NM_001407661.1, NM_001407874.1, NM_001408416.1 and 6 more transcripts); c.364-3del (NM_001408476.1, NM_001408474.1, NM_001407862.1 and 12 more transcripts); c.232-6del (NM_001407958.1, NM_001407955.1, NM_001408493.1 and 18 more transcripts); c.232-3del (NM_001408502.1, NM_001407951.1, NM_001407946.1 and 37 more transcripts); c.433-3del (NM_001407646.1, NM_001408408.1, NM_001407647.1); c.442-6del (NM_001408445.1, NM_001408432.1, NM_001407689.1 and 65 more transcripts); and 7 more.
Identifiers: ClinVar variation 125866 (VCV000125866.19), dbSNP rs273900733, ClinGen allele CA268416.